The following is an entry in ClinVar:

NM_001258392.3(CLPB):c.1606G>A (p.Val536Ile)

Gene: CLPB (ClpB family mitochondrial disaggregase; minus strand). Cytogenetic location: 11q13.4.
Variant type: single nucleotide variant.
Coding change: c.1606G>A on transcript NM_001258392.3 (MANE Select); coding-DNA position 1606, G replaced by A.
Protein change: p.Val536Ile; replaces valine 536 with isoleucine.
Molecular consequence: missense variant.
Genome position (GRCh38, 1-based): chr11:72,294,399, C>T on the plus strand (G>A on the coding strand, the complement: CLPB is on the minus strand). VCF-style: chr11-72294399-C-T. GRCh37 (hg19) VCF-style: chr11-72005443-C-T.
Other names: c.1696G>A (NM_030813.5); c.1519G>A, p.Val507Ile (NM_001258393.3); c.1561G>A, p.Val521Ile (NM_001258394.3); c.1696G>A, p.Val566Ile (NM_030813.6); short protein forms V507I, V521I, V536I, V566I.
Identifiers: ClinVar variation 1003562 (VCV001003562.10), dbSNP rs776356646, ClinGen allele CA6171102.

ClinVar aggregate classification (germline): Uncertain significance. Review status: criteria provided, multiple submitters, no conflicts (2 of 4 stars). 2 submissions from 2 submitters: Uncertain significance (2). Last evaluated 2026-08-17.

Conditions:
CLPB-related disorder. Also called: CLPB-related condition.
3-methylglutaconic aciduria, type VIIB (MGCA7B). Also called: CLPB Deficiency; 3-methylglutaconic aciduria, type VII, with cataracts, neurologic involvement and neutropenia; 3-methylglutaconic aciduria with cataracts, neurologic involvement and neutropenia. Identifiers: Orphanet 445038, MedGen C5676893, MONDO:0014561, OMIM 616271.

Allele frequency attached by ClinVar (database versions not stated): gnomAD 0.00001; gnomAD exomes 0.00001 and 0.00002; TOPMed 0.00001; ExAC 0.00002.
gnomAD v4.1: 14 of 1,614,082 alleles (0.00087%); highest among the groups gnomAD compares: Admixed American, 0.0033%; no homozygotes.

Submissions (2):

PreventionGenetics, part of Exact Sciences
Classification: Uncertain significance for CLPB-related condition. Last evaluated: 2026-08-17. Review status: criteria provided, single submitter. Criteria: ACMG Guidelines, 2015. Collection method: clinical testing. Allele origin: germline.
Comment: The CLPB c.1696G>A variant is predicted to result in the amino acid substitution p.Val566Ile. To our knowledge, this variant has not been reported in the literature. This variant is reported in 0.0062% of alleles in individuals of African descent in gnomAD. At this time, the clinical significance of this variant is uncertain due to the absence of conclusive functional and genetic evidence.

Labcorp Genetics (formerly Invitae), Labcorp
Classification: Uncertain significance for 3-methylglutaconic aciduria, type VIIB. Last evaluated: 2024-12-22. Review status: criteria provided, single submitter. Criteria: Invitae Variant Classification Sherloc (09022015). Collection method: clinical testing. Allele origin: germline.
Comment: This sequence change replaces valine, which is neutral and non-polar, with isoleucine, which is neutral and non-polar, at codon 566 of the CLPB protein (p.Val566Ile). This variant is present in population databases (rs776356646, gnomAD 0.007%). This variant has not been reported in the literature in individuals affected with CLPB-related conditions. ClinVar contains an entry for this variant (Variation ID: 1003562). An algorithm developed to predict the effect of missense changes on protein structure and function (PolyPhen-2) suggests that this variant is likely to be disruptive. In summary, the available evidence is currently insufficient to determine the role of this variant in disease. Therefore, it has been classified as a Variant of Uncertain Significance.